The following is an entry in ClinVar:

ClinVar aggregate classification (germline): Pathogenic/Likely pathogenic. Review status: criteria provided, multiple submitters, no conflicts (2 of 4 stars). 3 submissions from 3 submitters: Pathogenic (1); Likely pathogenic (1). 1 of the submissions does not count toward it. Last evaluated 2022-09-26.

Conditions:
Developmental disorder. Identifiers: MedGen C0008073.
Skin creases, congenital symmetric circumferential, 2 (CSCSC2). Identifiers: MedGen C4225225, MONDO:0014755, OMIM 616734.

Submissions (3):

Department of Genetics, Rouen University Hospital, Normandy Center for Genomic and Personalized Medicine
Classification: Pathogenic for Developmental disorder. Last evaluated: 2022-09-26. Review status: criteria provided, single submitter. Criteria: ACMG Guidelines, 2015. Collection method: clinical testing. Allele origin: de novo. Affected: yes.

3billion
Classification: Likely pathogenic for Skin creases, congenital symmetric circumferential, 2. Last evaluated: 2022-09-01. Review status: criteria provided, single submitter. Criteria: ACMG Guidelines, 2015. Collection method: clinical testing. Allele origin: germline. Affected: yes. Observed: 1 heterozygote.
Comment: The variant is not observed in the gnomAD v2.1.1 dataset. Missense changes are a common disease-causing mechanism. Same nucleotide change resulting in same amino acid change has been previously reported to be associated with MAPRE2-related disorder (ClinVar ID: VCV000218930 / PMID: 26637975). The variant has been previously reported as de novo in a similarly affected individual (PMID: 26637975). Therefore, this variant is classified as Likely pathogenic according to the recommendation of ACMG/AMP guideline.

OMIM
Classification: Pathogenic for SKIN CREASES, CONGENITAL SYMMETRIC CIRCUMFERENTIAL, 2. Last evaluated: 2015-12-03. Review status: no assertion criteria provided. Collection method: literature only. Allele origin: germline. Not counted in ClinVar's aggregate classification.

Literature cited by the submitters: PubMed 26637975 (cited by 3billion and OMIM).

NM_014268.4(MAPRE2):c.427C>T (p.Arg143Cys)

Gene: MAPRE2 (microtubule associated protein RP/EB family member 2; plus strand). Cytogenetic location: 18q12.2.
Variant type: single nucleotide variant.
Coding change: c.427C>T on transcript NM_014268.4 (MANE Select); coding-DNA position 427, C replaced by T.
Protein change: p.Arg143Cys; replaces arginine 143 with cysteine.
Molecular consequence: missense variant. On other transcripts: non-coding transcript variant (1).
Genome position (GRCh38, 1-based): chr18:35,101,976, C>T. VCF-style: chr18-35101976-C-T. GRCh37 (hg19) VCF-style: chr18-32681940-C-T.
Other names: c.298C>T, p.Arg100Cys (NM_001143826.3); c.391C>T, p.Arg131Cys (NM_001143827.3); c.268C>T, p.Arg90Cys (NM_001256420.2); c.298C>T (NM_001143826.2); short protein forms R143C, R100C, R131C, R90C.
Identifiers: ClinVar variation 218930 (VCV000218930.4), dbSNP rs864309720, ClinGen allele CA278791.